The following is an entry in ClinVar:

NM_001308093.3(GATA4):c.1178A>T (p.His393Leu)

Gene: GATA4 (GATA binding protein 4). Cytogenetic location: 8p23.1.
Variant type: single nucleotide variant.
Coding change: c.1178A>T on transcript NM_001308093.3 (MANE Select); coding-DNA position 1178, A replaced by T.
Protein change: p.His393Leu; replaces histidine 393 with leucine.
Molecular consequence: missense variant.
Genome position (GRCh38, 1-based): chr8:11,758,321, A>T. VCF-style: chr8-11758321-A-T. GRCh37 (hg19) VCF-style: chr8-11615830-A-T.
Other names: c.557A>T, p.His186Leu (NM_001308094.2, NM_001374273.1); c.431A>T, p.His144Leu (NM_001374274.1); c.1175A>T, p.His392Leu (NM_002052.5); short protein forms H186L, H393L, H144L, H392L.
Identifiers: ClinVar variation 2815097 (VCV002815097.3), dbSNP rs766572598, ClinGen allele CA370315583.
Genomic context (GRCh38, chr8:11,758,321, plus strand): 5'-ATGGGCCTCATCGTGTGCTTTCTGCTTTTCAGACGTTCTCAGTCAGTGCGATGTCTGGCC[A>T]TGGGCCCTCCATCCACCCTGTCCTCTCGGCCCTGAAGCTCTCCCCACAAGGCTATGCGTC-3'
Protein context (NP_001295022.1, residues 383-403): QTFSVSAMSG[His393Leu]GPSIHPVLSA

ClinVar aggregate classification (germline): Uncertain significance (1 of 4 stars; one submission).

Conditions:
Atrioventricular septal defect 4 (AVSD4). Identifiers: MedGen C3280781, MONDO:0013747, OMIM 614430.

Submission:

Labcorp Genetics (formerly Invitae), Labcorp
Classification: Uncertain significance for Atrioventricular septal defect 4. Last evaluated: 2022-11-18. Review status: criteria provided, single submitter. Criteria: Invitae Variant Classification Sherloc (09022015). Collection method: clinical testing. Allele origin: germline.
Comment: In summary, the available evidence is currently insufficient to determine the role of this variant in disease. Therefore, it has been classified as a Variant of Uncertain Significance. Advanced modeling of protein sequence and biophysical properties (such as structural, functional, and spatial information, amino acid conservation, physicochemical variation, residue mobility, and thermodynamic stability) performed at Invitae indicates that this missense variant is not expected to disrupt GATA4 protein function. This variant has not been reported in the literature in individuals affected with GATA4-related conditions. This variant is not present in population databases (gnomAD no frequency). This sequence change replaces histidine, which is basic and polar, with leucine, which is neutral and non-polar, at codon 392 of the GATA4 protein (p.His392Leu).